The following is an entry in ClinVar:

ClinVar aggregate classification (germline): Benign/Likely benign. Review status: criteria provided, multiple submitters, no conflicts (2 of 4 stars). 6 submissions from 6 submitters: Benign (5); Likely benign (1). Last evaluated 2026-09-01.

Conditions:
Bethlem myopathy 1A. Also called: MYOPATHY, BENIGN CONGENITAL, WITH CONTRACTURES; Bethlem myopathy 1; Bethlem Muscular Dystrophy. Identifiers: Orphanet 610, MedGen CN029274, MONDO:0024530, OMIM 158810.

Allele frequency attached by ClinVar (database versions not stated): 1000 Genomes Project 30x 0.00172; 1000 Genomes Project 0.00180; TOPMed 0.00570; gnomAD 0.00576 and 0.00591; ESP Exome Variant Server 0.00708.
gnomAD v4.1: 14,647 of 1,606,208 alleles (0.91%); highest among the groups gnomAD compares: Non-Finnish European, 1.1%; 83 homozygotes.

Submissions (6):

CeGaT Center for Human Genetics Tuebingen
Classification: Benign. Last evaluated: 2026-09-01. Review status: criteria provided, single submitter. Criteria: CeGaT Center For Human Genetics Tuebingen Variant Classification Criteria Version 2. Collection method: clinical testing. Allele origin: germline. Affected: yes. Observed: 35 variant alleles.
Comment: COL6A2: BP4, BP7, BS1, BS2

Labcorp Genetics (formerly Invitae), Labcorp
Classification: Benign for Bethlem myopathy 1A. Last evaluated: 2026-01-31. Review status: criteria provided, single submitter. Criteria: Invitae Variant Classification Sherloc (09022015). Collection method: clinical testing. Allele origin: germline.

GeneDx
Classification: Likely benign. Last evaluated: 2021-05-26. Review status: criteria provided, single submitter. Criteria: GeneDx Variant Classification Process June 2021. Collection method: clinical testing. Allele origin: germline. Affected: yes.
Comment: This variant is associated with the following publications: (PMID: 15689448)

Mayo Clinic Laboratories, Mayo Clinic
Classification: Benign. Last evaluated: 2018-01-30. Review status: criteria provided, single submitter. Criteria: ACMG Guidelines, 2015. Collection method: clinical testing. Allele origin: germline. Observed: 16 variant alleles.

Eurofins Ntd Llc (ga)
Classification: Benign. Last evaluated: 2012-11-16. Review status: criteria provided, single submitter. Criteria: EGL Classification Definitions 2015. Collection method: clinical testing. Allele origin: germline. Observed: 2 variant alleles, 2 heterozygotes.

PreventionGenetics, part of Exact Sciences
Classification: Benign. Review status: criteria provided, single submitter. Criteria: ACMG Guidelines, 2015. Collection method: clinical testing. Allele origin: germline.

NM_001849.4(COL6A2):c.2769C>T (p.His923=)

Gene: COL6A2 (collagen type VI alpha 2 chain; plus strand). Cytogenetic location: 21q22.3.
Variant type: single nucleotide variant.
Coding change: c.2769C>T on transcript NM_001849.4 (MANE Select); coding-DNA position 2769, C replaced by T.
Protein change: p.His923=; no amino-acid change (histidine 923 retained).
Molecular consequence: synonymous variant.
Genome position (GRCh38, 1-based): chr21:46,132,261, C>T. VCF-style: chr21-46132261-C-T. GRCh37 (hg19) VCF-style: chr21-47552175-C-T.
Other names: p.His923=.
Identifiers: ClinVar variation 93947 (VCV000093947.64), dbSNP rs140419176, ClinGen allele CA147484.